The following is an entry in ClinVar:

NM_173660.5(DOK7):c.458A>C (p.Lys153Thr)

Gene: DOK7 (docking protein 7; plus strand). Cytogenetic location: 4p16.3.
Variant type: single nucleotide variant.
Coding change: c.458A>C on transcript NM_173660.5 (MANE Select); coding-DNA position 458, A replaced by C.
Protein change: p.Lys153Thr; replaces lysine 153 with threonine.
Molecular consequence: missense variant. On other transcripts: intron variant (1).
Genome position (GRCh38, 1-based): chr4:3,476,468, A>C. VCF-style: chr4-3476468-A-C. GRCh37 (hg19) VCF-style: chr4-3478195-A-C.
Other names: c.458A>C, p.Lys153Thr (NM_001164673.2, NM_001301071.2); c.101-9071A>C (NM_001363811.2); short protein forms K153T.
Identifiers: ClinVar variation 1000261 (VCV001000261.8), dbSNP rs1362167631, ClinGen allele CA356114374.

ClinVar aggregate classification (germline): Uncertain significance (1 of 4 stars; one submission).

Conditions:
Congenital myasthenic syndrome 10. Also called: Myasthenia, limb-girdle, familial. Identifiers: Orphanet 590, MedGen C1850792, MONDO:0009690, OMIM 254300.
Fetal akinesia deformation sequence 1 (FADS1). Also called: Fetal akinesia sequence; Pena-Shokeir syndrome type I. Identifiers: Orphanet 994, MedGen C1276035, MONDO:0100101, OMIM 208150, HP:0001989.

Allele frequency attached by ClinVar (database versions not stated): gnomAD 0.00001; gnomAD exomes 0.00001; TOPMed 0.00002.
gnomAD v4.1: 20 of 1,613,686 alleles (0.0012%); highest among the groups gnomAD compares: Non-Finnish European, 0.0017%; no homozygotes.

Submission:

Labcorp Genetics (formerly Invitae), Labcorp
Classification: Uncertain significance for Congenital myasthenic syndrome 10; Fetal akinesia deformation sequence 1. Last evaluated: 2024-10-18. Review status: criteria provided, single submitter. Criteria: Invitae Variant Classification Sherloc (09022015). Collection method: clinical testing. Allele origin: germline.
Comment: This sequence change replaces lysine, which is basic and polar, with threonine, which is neutral and polar, at codon 153 of the DOK7 protein (p.Lys153Thr). This variant is not present in population databases (gnomAD no frequency). This variant has not been reported in the literature in individuals affected with DOK7-related conditions. ClinVar contains an entry for this variant (Variation ID: 1000261). Invitae Evidence Modeling of protein sequence and biophysical properties (such as structural, functional, and spatial information, amino acid conservation, physicochemical variation, residue mobility, and thermodynamic stability) has been performed for this missense variant. However, the output from this modeling did not meet the statistical confidence thresholds required to predict the impact of this variant on DOK7 protein function. In summary, the available evidence is currently insufficient to determine the role of this variant in disease. Therefore, it has been classified as a Variant of Uncertain Significance.